The following is an entry in ClinVar:

ClinVar aggregate classification (germline): Uncertain significance (1 of 4 stars; one submission).

Conditions:
Dilated cardiomyopathy 1JJ (CMD1JJ). Identifiers: Orphanet 154, MedGen C3808935, MONDO:0014095, OMIM 615235.

Allele frequency attached by ClinVar (database versions not stated): TOPMed below 0.00001; gnomAD exomes below 0.00001.
gnomAD v4.1: 2 of 1,608,736 alleles (0.00012%); highest among the groups gnomAD compares: Middle Eastern, 0.033%; no homozygotes.

Submission:

Labcorp Genetics (formerly Invitae), Labcorp
Classification: Uncertain significance for Dilated cardiomyopathy 1JJ. Last evaluated: 2026-01-28. Review status: criteria provided, single submitter. Criteria: Invitae Variant Classification Sherloc (09022015). Collection method: clinical testing. Allele origin: germline.
Comment: This sequence change replaces aspartic acid, which is acidic and polar, with asparagine, which is neutral and polar, at codon 386 of the LAMA4 protein (p.Asp386Asn). This variant is not present in population databases (gnomAD no frequency). This variant has not been reported in the literature in individuals affected with LAMA4-related conditions. ClinVar contains an entry for this variant (Variation ID: 2098066). Invitae Evidence Modeling of protein sequence and biophysical properties (such as structural, functional, and spatial information, amino acid conservation, physicochemical variation, residue mobility, and thermodynamic stability) indicates that this missense variant is not expected to disrupt LAMA4 protein function with a negative predictive value of 80%. In summary, the available evidence is currently insufficient to determine the role of this variant in disease. Therefore, it has been classified as a Variant of Uncertain Significance.

NM_001105206.3(LAMA4):c.1177G>A (p.Asp393Asn)

Gene: LAMA4 (laminin subunit alpha 4; minus strand). Cytogenetic location: 6q21.
Variant type: single nucleotide variant.
Coding change: c.1177G>A on transcript NM_001105206.3 (MANE Select); coding-DNA position 1177, G replaced by A.
Protein change: p.Asp393Asn; replaces aspartic acid 393 with asparagine.
Molecular consequence: missense variant.
Genome position (GRCh38, 1-based): chr6:112,178,133, C>T on the plus strand (G>A on the coding strand, the complement: LAMA4 is on the minus strand). VCF-style: chr6-112178133-C-T. GRCh37 (hg19) VCF-style: chr6-112499335-C-T.
Other names: c.1156G>A, p.Asp386Asn (NM_001105207.3, NM_002290.5); short protein forms D393N, D386N.
Identifiers: ClinVar variation 2098066 (VCV002098066.4), dbSNP rs1782130087, ClinGen allele CA365372854.
Genomic context (GRCh38, chr6:112,178,133, plus strand): 5'-ATAAGTGTTTCCTTGATATTAAACTGAACCAGAAGAGAATATATTTACCTTGGATTTTAT[C>T]CCTCATATCATGGGCTTGCTCTACCAGCTGACTTGCGTGGTTAATGGTGTCCATGCTTTC-3'
Protein context (NP_001098676.2, residues 383-403): QLVEQAHDMR[Asp393Asn]KIQEINNKML